The following is an entry in ClinVar:

ClinVar aggregate classification (germline): Likely pathogenic (1 of 4 stars; one submission).

Conditions:
Adams-Oliver syndrome 5 (AOS5). Identifiers: Orphanet 974, MedGen C4014970, MONDO:0014459, OMIM 616028.
Aortic valve disease 1 (AOVD1). Identifiers: MedGen C3887892, MONDO:0024523, OMIM 109730.

Submission:

Institute for Genomic Medicine (IGM) Clinical Laboratory, Nationwide Children's Hospital
Classification: Likely pathogenic for Adams-Oliver syndrome 5; Aortic valve disease 1. Last evaluated: 2019-01-23. Review status: criteria provided, single submitter. Criteria: ACMG Guidelines, 2015. Collection method: clinical testing. Allele origin: germline. Affected: yes.
Comment: [ACMG/AMP: PVS1, PM2] This alteration is a null variant in a gene where LOF is a known mechanism of disease [PVS1], is absent from or rarely observed in large-scale population databases [PM2].

NM_017617.5(NOTCH1):c.4758_4759insCA (p.Asn1587fs)

Gene: NOTCH1 (notch receptor 1; minus strand). Cytogenetic location: 9q34.3.
Variant type: Insertion.
Coding change: c.4758_4759insCA on transcript NM_017617.5 (MANE Select); coding-DNA positions 4758 to 4759, CA inserted.
Protein change: p.Asn1587fs; shifts the reading frame from asparagine 1587.
Molecular consequence: frameshift variant.
Genome position: GRCh38 VCF-style: chr9-136504932-T-TTG. GRCh37 (hg19) VCF-style: chr9-139399384-T-TTG.
Other names: short protein forms N1587fs.
Identifiers: ClinVar variation 973252 (VCV000973252.5), dbSNP rs1843055667, ClinGen allele CA1139661349.
Genomic context (GRCh38, chr9:136,504,932, plus strand): 5'-TGAAGACCACGTTGGTGTGCAGCACGCGGCTGAGCTCCCGCAGGAAGTGGAAGGAGCTGT[T>TTG]GCGCAGCTGCTCCGGCGGCATCAGCACCACCACCACCAGCGTGCCGGCCGCCAGCCTCTC-3'